The following is an entry in ClinVar:

NM_014043.4(CHMP2B):c.*836T>C

Gene: CHMP2B (charged multivesicular body protein 2B; plus strand). Cytogenetic location: 3p11.2.
Variant type: single nucleotide variant.
Coding change: c.*836T>C on transcript NM_014043.4 (MANE Select); 836 bases downstream of the stop codon, T replaced by C.
Molecular consequence: 3 prime UTR variant.
Genome position (GRCh38, 1-based): chr3:87,254,658, T>C. VCF-style: chr3-87254658-T-C. GRCh37 (hg19) VCF-style: chr3-87303808-T-C.
Other names: c.*836T>C (NM_001244644.2).
Identifiers: ClinVar variation 346813 (VCV000346813.5), dbSNP rs189927047, ClinGen allele CA10617532.

ClinVar aggregate classification (germline): Benign (1 of 4 stars; one submission).

Conditions:
Frontotemporal dementia and/or amyotrophic lateral sclerosis 7 (FTDALS7). Also called: CHMP2B-Related Frontotemporal Dementia-Amyotrophic Lateral Sclerosis; CHMP2B-related frontotemporal dementia; AMYOTROPHIC LATERAL SCLEROSIS, CHMP2B-RELATED; Amyotrophic lateral sclerosis 17. Identifiers: Orphanet 275864, Orphanet 282, Orphanet 803, MedGen C1833296, MONDO:0010936, OMIM 600795.

Allele frequency attached by ClinVar (database versions not stated): gnomAD 0.00012 and 0.00017; TOPMed 0.00029; 1000 Genomes Project 0.00040; 1000 Genomes Project 30x 0.00078.
gnomAD v4.1: 25 of 152,040 alleles (0.016%); highest among the groups gnomAD compares: East Asian, 0.46%; no homozygotes.

Submission:

Illumina Laboratory Services, Illumina
Classification: Benign for Frontotemporal dementia and/or amyotrophic lateral sclerosis 7. Last evaluated: 2018-01-13. Review status: criteria provided, single submitter. Criteria: ICSL Variant Classification Criteria 13 December 2019. Collection method: clinical testing. Allele origin: germline.
Comment: This variant was observed in the ICSL laboratory as part of a predisposition screen in an ostensibly healthy population. It had not been previously curated by ICSL or reported in the Human Gene Mutation Database (HGMD: prior to June 1st, 2018), and was therefore a candidate for classification through an automated scoring system. Utilizing variant allele frequency, disease prevalence and penetrance estimates, and inheritance mode, an automated score was calculated to assess if this variant is too frequent to cause the disease. Based on the score and internal cut-off values, a variant classified as benign is not then subjected to further curation. The score for this variant resulted in a classification of benign for this disease.